The following is an entry in ClinVar:

NM_001754.5(RUNX1):c.1259GCG[3] (p.Gly421_Glu422insGly)

Gene: RUNX1 (RUNX family transcription factor 1; minus strand). Cytogenetic location: 21q22.12.
Variant type: Microsatellite.
Coding change: c.1259GCG[3] on transcript NM_001754.5 (MANE Select); three copies in a row of the 3-base unit GCG starting at c.1259; the reference has two copies in a row; one copy, 3 bases duplicated.
Protein change: p.Gly421_Glu422insGly.
Molecular consequence: inframe insertion.
Genome position (GRCh38, 1-based): chr21:34,792,314-34,792,316, CGC duplicated on the plus strand (GCG on the coding strand, the reverse complement: RUNX1 is on the minus strand); duplicating any 3 consecutive bases within chr21:34,792,314-34,792,320 gives the same sequence; the position shown is the placement nearest the transcript's 3' end. VCF-style (leftmost placement, unchanged base first): chr21-34792313-T-TCGC. GRCh37 (hg19) VCF-style: chr21-36164610-T-TCGC.
Other names: NM_001754.5(RUNX1):c.1259GCG[3]; p.Gly421_Glu422insGly; c.1178GCG[3], p.Gly394_Glu395insGly (NM_001001890.3).
Identifiers: ClinVar variation 1692641 (VCV001692641.2), dbSNP rs2145874446, ClinGen allele CA2577483399.
Genomic context (GRCh38, chr21:34,792,313, plus strand): 5'-AGCAGCGCGGAGCCGGTGGAGGCGTTGGTGCAGGGCGGCAGGATGCGCGGCGGCGAGCGC[T>TCGC]CGCCGCCCACCATGGAGAACTGGTAGGAGCCGGCCGAGGCGCCGTAGTACAGGTGGTAGG-3'

ClinVar aggregate classification (germline): Uncertain significance. Review status: reviewed by expert panel (3 of 4 stars). 2 submissions from 2 submitters: Uncertain significance (1). 1 of the submissions does not count toward it. Last evaluated 2024-07-11.

Conditions:
Hereditary cancer-predisposing syndrome. Also called: Hereditary Cancer Syndrome; Hereditary neoplastic syndrome; Neoplastic Syndromes, Hereditary; Tumor predisposition. Identifiers: Orphanet 140162, MedGen C0027672, MeSH D009386, MONDO:0015356.
Hereditary thrombocytopenia and hematologic cancer predisposition syndrome. Identifiers: Orphanet 71290, MedGen CN281654, MONDO:0011071.

Submissions (2):

ClinGen Myeloid Malignancy Variant Curation Expert Panel
Classification: Uncertain significance for Hereditary thrombocytopenia and hematologic cancer predisposition syndrome. Last evaluated: 2024-07-11. Review status: reviewed by expert panel. Criteria: ClinGen MyeloMalig ACMG Specifications v2. Collection method: curation. Allele origin: germline. Inheritance: Autosomal dominant inheritance.
Comment: NM_001754.5(RUNX1):c.1259GCG[3] (p.Gly421_Glu422insGly) is an in-frame insertion variant that does not affect any known functional domain (PM4 not applicable). This variant is completely absent from all population databases with at least 20x coverage for RUNX1 (PM2_supporting). In summary, the clinical significance of this variant is uncertain. ACMG/AMP criteria applied, as specified by the Myeloid Malignancy Variant Curation Expert Panel for RUNX1: PM2_supporting.

Sema4
Classification: Uncertain significance for Hereditary cancer-predisposing syndrome. Last evaluated: 2021-11-16. Review status: criteria provided, single submitter. Criteria: Sema4 Curation Guidelines. Collection method: curation. Allele origin: germline. Not counted in ClinVar's aggregate classification.
Comment: The RUNX1 c.1262_1264dupGCG (p.G421dup) variant has not been reported in the literature to our knowledge. It was not observed in the large and broad cohorts of the Genome Aggregation Database (PMID: 32461654). This variant has not been reported in ClinVar. The evidence is insufficient to meet ACMG/AMP criteria for classifying the variant as benign or pathogenic. Thus, the clinical significance of this variant is currently uncertain.